The following is an entry in ClinVar:

ClinVar aggregate classification (germline): Uncertain significance (1 of 4 stars; one submission).

Submission:

GeneDx
Classification: Uncertain significance. Last evaluated: 2020-01-23. Review status: criteria provided, single submitter. Criteria: GeneDx Variant Classification Process June 2021. Collection method: clinical testing. Allele origin: germline. Affected: yes.
Comment: Not observed in large population cohorts (Lek et al., 2016); In silico analysis, which includes protein predictors and evolutionary conservation, supports a deleterious effect; Has not been previously published as pathogenic or benign to our knowledge

NM_001081.4(CUBN):c.7088G>C (p.Cys2363Ser)

Gene: CUBN (cubilin; minus strand). Cytogenetic location: 10p13.
Variant type: single nucleotide variant.
Coding change: c.7088G>C on transcript NM_001081.4 (MANE Select); coding-DNA position 7088, G replaced by C.
Protein change: p.Cys2363Ser; replaces cysteine 2363 with serine.
Molecular consequence: missense variant.
Genome position (GRCh38, 1-based): chr10:16,915,943, C>G on the plus strand (G>C on the coding strand, the complement: CUBN is on the minus strand). VCF-style: chr10-16915943-C-G. GRCh37 (hg19) VCF-style: chr10-16957942-C-G.
Other names: short protein forms C2363S.
Identifiers: ClinVar variation 1318728 (VCV001318728.2), dbSNP rs2131458198, ClinGen allele CA376146620.